The following is an entry in ClinVar:

NM_031935.3(HMCN1):c.10189G>T (p.Val3397Phe)

Gene: HMCN1 (hemicentin 1; plus strand). Cytogenetic location: 1q31.1.
Variant type: single nucleotide variant.
Coding change: c.10189G>T on transcript NM_031935.3 (MANE Select); coding-DNA position 10189, G replaced by T.
Protein change: p.Val3397Phe; replaces valine 3397 with phenylalanine.
Molecular consequence: missense variant.
Genome position (GRCh38, 1-based): chr1:186,093,662, G>T. VCF-style: chr1-186093662-G-T. GRCh37 (hg19) VCF-style: chr1-186062794-G-T.
Other names: short protein forms V3397F.
Identifiers: ClinVar variation 3604690 (VCV003604690.2).

ClinVar aggregate classification (germline): Uncertain significance (1 of 4 stars; one submission).

gnomAD v4.1: 26 of 1,613,226 alleles (0.0016%); highest among the groups gnomAD compares: South Asian, 0.025%; no homozygotes.

Submission:

Labcorp Genetics (formerly Invitae), Labcorp
Classification: Uncertain significance. Last evaluated: 2024-09-12. Review status: criteria provided, single submitter. Criteria: Invitae Variant Classification Sherloc (09022015). Collection method: clinical testing. Allele origin: germline.
Comment: This sequence change replaces valine, which is neutral and non-polar, with phenylalanine, which is neutral and non-polar, at codon 3397 of the HMCN1 protein (p.Val3397Phe). This variant is present in population databases (rs760192360, gnomAD 0.03%). This variant has not been reported in the literature in individuals affected with HMCN1-related conditions. An algorithm developed to predict the effect of missense changes on protein structure and function (PolyPhen-2) suggests that this variant is likely to be disruptive. In summary, the available evidence is currently insufficient to determine the role of this variant in disease. Therefore, it has been classified as a Variant of Uncertain Significance.